The following is an entry in ClinVar:

ClinVar aggregate classification (germline): Uncertain significance (1 of 4 stars; one submission).

Conditions:
Hereditary sensory and autonomic neuropathy type 6. Also called: HSAN VI; Neuropathy, hereditary sensory and autonomic, type VI. Identifiers: Orphanet 314381, MedGen C3539003, MONDO:0013839, OMIM 614653.
Epidermolysis bullosa simplex 3, localized or generalized intermediate, with BP230 deficiency (EBS3). Also called: Epidermolysis bullosa simplex, autosomal recessive 2; Epidermolysis bullosa simplex due to BP230 deficiency. Identifiers: Orphanet 412181, MedGen C3809470, MONDO:0014180, OMIM 615425.

Allele frequency attached by ClinVar (database versions not stated): gnomAD exomes below 0.00001 and 0.00001; ExAC 0.00001; gnomAD 0.00003 and 0.00004; TOPMed 0.00003; 1000 Genomes Project 0.00020; 1000 Genomes Project 30x 0.00031.
gnomAD v4.1: 20 of 1,614,160 alleles (0.0012%); highest among the groups gnomAD compares: East Asian, 0.018%; no homozygotes.

Submission:

Labcorp Genetics (formerly Invitae), Labcorp
Classification: Uncertain significance for Epidermolysis bullosa simplex 3, localized or generalized intermediate, with BP230 deficiency; Hereditary sensory and autonomic neuropathy type 6. Last evaluated: 2025-09-20. Review status: criteria provided, single submitter. Criteria: Invitae Variant Classification Sherloc (09022015). Collection method: clinical testing. Allele origin: germline.
Comment: This sequence change replaces serine, which is neutral and polar, with glycine, which is neutral and non-polar, at codon 2287 of the DST protein (p.Ser2287Gly). This variant is present in population databases (rs373961695, gnomAD 0.02%). This variant has not been reported in the literature in individuals affected with DST-related conditions. ClinVar contains an entry for this variant (Variation ID: 474546). An algorithm developed to predict the effect of missense changes on protein structure and function (PolyPhen-2) suggests that this variant is likely to be tolerated. In summary, the available evidence is currently insufficient to determine the role of this variant in disease. Therefore, it has been classified as a Variant of Uncertain Significance.

NM_001723.7(DST):c.6859A>G (p.Ser2287Gly)

Gene: DST (dystonin; minus strand). Cytogenetic location: 6p12.1.
Variant type: single nucleotide variant.
Coding change: c.6859A>G on transcript NM_001723.7 (MANE Plus Clinical); coding-DNA position 6859, A replaced by G.
Protein change: p.Ser2287Gly; replaces serine 2287 with glycine.
Molecular consequence: missense variant. On other transcripts: intron variant (10).
Genome position (GRCh38, 1-based): chr6:56,616,608, T>C on the plus strand (A>G on the coding strand, the complement: DST is on the minus strand). VCF-style: chr6-56616608-T-C. GRCh37 (hg19) VCF-style: chr6-56481406-T-C.
Other names: c.4831-2124A>G (NM_001144769.5); c.4930-2124A>G (NM_001374722.1, NM_001374736.1); c.4957-2124A>G (NM_001374734.1); c.4417-2124A>G (NM_001144770.2); c.4297-2124A>G (NM_001374730.1, NM_001386100.1, NM_183380.4 and 1 more transcripts); c.3319-2124A>G (NM_015548.5); short protein forms S2287G.
Identifiers: ClinVar variation 474546 (VCV000474546.7), dbSNP rs373961695, ClinGen allele CA3870082.